The following is an entry in ClinVar:

ClinVar aggregate classification (germline): Pathogenic (1 of 4 stars; one submission).

Conditions:
Hereditary spastic paraplegia 15 (SPG15). Also called: SPASTIC PARAPLEGIA 15, AUTOSOMAL RECESSIVE; KJELLIN SYNDROME; SPASTIC PARAPLEGIA AND RETINAL DEGENERATION. Identifiers: Orphanet 100996, MedGen C1849128, MONDO:0010044, OMIM 270700.

Submission:

Myriad Genetics, Inc.
Classification: Pathogenic for Hereditary spastic paraplegia 15. Last evaluated: 2025-02-27. Review status: criteria provided, single submitter. Criteria: Myriad Autosomal Dominant, Autosomal Recessive and X-Linked Classification Criteria (2023). Collection method: clinical testing. Allele origin: unknown.
Comment: NM_015346.3(ZFYVE26):c.6141C>G(Y2047*) is expected to be pathogenic in the context of spastic paraplegia type 15. This variant is predicted to lead to an abnormal or absent protein product due to the creation of a premature termination codon in ZFYVE26, a gene where loss-of-function variants are known to be pathogenic. Please note: this variant was assessed in the context of healthy population screening.

NM_015346.4(ZFYVE26):c.6141C>G (p.Tyr2047Ter)

Gene: ZFYVE26 (zinc finger FYVE-type containing 26; minus strand). Cytogenetic location: 14q24.1.
Variant type: single nucleotide variant.
Coding change: c.6141C>G on transcript NM_015346.4 (MANE Select); coding-DNA position 6141, C replaced by G.
Protein change: p.Tyr2047Ter; replaces tyrosine 2047 with a stop codon.
Molecular consequence: nonsense.
Genome position (GRCh38, 1-based): chr14:67,762,690, G>C on the plus strand (C>G on the coding strand, the complement: ZFYVE26 is on the minus strand). VCF-style: chr14-67762690-G-C. GRCh37 (hg19) VCF-style: chr14-68229407-G-C.
Other names: short protein forms Y2047*.
Identifiers: ClinVar variation 5014142 (VCV005014142.1).